The following is an entry in ClinVar:

ClinVar aggregate classification (germline): Pathogenic (1 of 4 stars; one submission).

Submission:

Labcorp Genetics (formerly Invitae), Labcorp
Classification: Pathogenic. Last evaluated: 2024-10-07. Review status: criteria provided, single submitter. Criteria: Invitae Variant Classification Sherloc (09022015). Collection method: clinical testing. Allele origin: germline.
Comment: This sequence change creates a premature translational stop signal (p.Cys46Alafs*91) in the CYP4F22 gene. It is expected to result in an absent or disrupted protein product. Loss-of-function variants in CYP4F22 are known to be pathogenic (PMID: 16436457, 24397709, 26762237). This variant is not present in population databases (gnomAD no frequency). This variant has not been reported in the literature in individuals affected with CYP4F22-related conditions. For these reasons, this variant has been classified as Pathogenic.

Literature cited by the submitters: PubMed 16436457; PubMed 24397709; PubMed 26762237.

NM_173483.4(CYP4F22):c.136del (p.Cys46fs)

Gene: CYP4F22 (cytochrome P450 family 4 subfamily F member 22; plus strand). Cytogenetic location: 19p13.12.
Variant type: Deletion.
Coding change: c.136del on transcript NM_173483.4 (MANE Select); coding-DNA position 136, one base deleted (T; older notation c.136delT).
Protein change: p.Cys46fs; shifts the reading frame from cysteine 46.
Molecular consequence: frameshift variant.
Genome position (GRCh38, 1-based): chr19:15,525,472, T deleted. VCF-style (leftmost placement, unchanged base first): chr19-15525471-CT-C. GRCh37 (hg19) VCF-style: chr19-15636282-CT-C.
Other names: short protein forms C46fs.
Identifiers: ClinVar variation 3692531 (VCV003692531.2).